The following is an entry in ClinVar:

ClinVar aggregate classification (germline): Uncertain significance (1 of 4 stars; one submission).

gnomAD v4.1: 3 of 1,613,892 alleles (0.00019%); highest among the groups gnomAD compares: Middle Eastern, 0.017%; no homozygotes.

Submission:

Labcorp Genetics (formerly Invitae), Labcorp
Classification: Uncertain significance. Last evaluated: 2025-09-23. Review status: criteria provided, single submitter. Criteria: Invitae Variant Classification Sherloc (09022015). Collection method: clinical testing. Allele origin: germline.
Comment: This sequence change falls in intron 7 of the AP2M1 gene. It does not directly change the encoded amino acid sequence of the AP2M1 protein. It affects a nucleotide within the consensus splice site. This variant is present in population databases (no rsID available, gnomAD 0.0009%). This variant has not been reported in the literature in individuals affected with AP2M1-related conditions. Variants that disrupt the consensus splice site are a relatively common cause of aberrant splicing (PMID: 17576681, 9536098). Algorithms developed to predict the effect of sequence changes on RNA splicing suggest that this variant is not likely to affect RNA splicing. In summary, the available evidence is currently insufficient to determine the role of this variant in disease. Therefore, it has been classified as a Variant of Uncertain Significance.

Literature cited by the submitters: PubMed 17576681; PubMed 9536098.

NM_004068.4(AP2M1):c.707+5C>T

Gene: AP2M1 (adaptor related protein complex 2 subunit mu 1; plus strand). Cytogenetic location: 3q27.1.
Variant type: single nucleotide variant.
Coding change: c.707+5C>T on transcript NM_004068.4 (MANE Select); 5 bases into the intron after coding-DNA position 707, C replaced by T.
Molecular consequence: intron variant.
Genome position (GRCh38, 1-based): chr3:184,181,231, C>T. VCF-style: chr3-184181231-C-T. GRCh37 (hg19) VCF-style: chr3-183899019-C-T.
Other names: c.782+5C>T (NM_001311198.2); c.701+5C>T (NM_001025205.2).
Identifiers: ClinVar variation 4700700 (VCV004700700.1).